The following is an entry in ClinVar:

NM_004706.4(ARHGEF1):c.325G>A (p.Val109Ile)

Gene: ARHGEF1 (Rho guanine nucleotide exchange factor 1; plus strand). Cytogenetic location: 19q13.2.
Variant type: single nucleotide variant.
Coding change: c.325G>A on transcript NM_004706.4 (MANE Select); coding-DNA position 325, G replaced by A.
Protein change: p.Val109Ile; replaces valine 109 with isoleucine.
Molecular consequence: missense variant.
Genome position (GRCh38, 1-based): chr19:41,892,331, G>A. VCF-style: chr19-41892331-G-A. GRCh37 (hg19) VCF-style: chr19-42396402-G-A.
Other names: c.226G>A, p.Val76Ile (NM_198977.2); c.370G>A, p.Val124Ile (NM_199002.2); c.370G>A (NM_199002.1); short protein forms V76I, V109I, V124I.
Identifiers: ClinVar variation 1363872 (VCV001363872.9), dbSNP rs782111439, ClinGen allele CA9465868.

ClinVar aggregate classification (germline): Uncertain significance. Review status: criteria provided, multiple submitters, no conflicts (2 of 4 stars). 2 submissions from 2 submitters: Uncertain significance (2). Last evaluated 2025-10-30.

Allele frequency attached by ClinVar (database versions not stated): gnomAD exomes below 0.00001; ExAC 0.00001.
gnomAD v4.1: 1 of 1,613,924 alleles (0.000062%); highest among the groups gnomAD compares: African/African-American, 0.0013%; no homozygotes.

Submissions (2):

Ambry Genetics
Classification: Uncertain significance. Last evaluated: 2025-10-30. Review status: criteria provided, single submitter. Criteria: Ambry Variant Classification Scheme 2023. Collection method: clinical testing. Allele origin: germline.

Labcorp Genetics (formerly Invitae), Labcorp
Classification: Uncertain significance. Last evaluated: 2024-05-19. Review status: criteria provided, single submitter. Criteria: Invitae Variant Classification Sherloc (09022015). Collection method: clinical testing. Allele origin: germline.
Comment: This sequence change replaces valine, which is neutral and non-polar, with isoleucine, which is neutral and non-polar, at codon 124 of the ARHGEF1 protein (p.Val124Ile). This variant is present in population databases (rs782111439, gnomAD 0.007%). This variant has not been reported in the literature in individuals affected with ARHGEF1-related conditions. ClinVar contains an entry for this variant (Variation ID: 1363872). Algorithms developed to predict the effect of missense changes on protein structure and function output the following: SIFT: "Not Available"; PolyPhen-2: "Benign"; Align-GVGD: "Not Available". The isoleucine amino acid residue is found in multiple mammalian species, which suggests that this missense change does not adversely affect protein function. In summary, the available evidence is currently insufficient to determine the role of this variant in disease. Therefore, it has been classified as a Variant of Uncertain Significance.